The following is an entry in ClinVar:

NM_000431.4(MVK):c.395del (p.Val132fs)

Gene: MVK (mevalonate kinase; plus strand). Cytogenetic location: 12q24.11.
Variant type: Deletion.
Coding change: c.395del on transcript NM_000431.4 (MANE Select); coding-DNA position 395, one base deleted (T; older notation c.395delT).
Protein change: p.Val132fs; shifts the reading frame from valine 132.
Molecular consequence: frameshift variant. On other transcripts: 5 prime UTR variant (1), non-coding transcript variant (3), intron variant (2).
Genome position (GRCh38, 1-based): chr12:109,581,418, T deleted. VCF-style (leftmost placement, unchanged base first): chr12-109581417-GT-G. GRCh37 (hg19) VCF-style: chr12-110019222-GT-G.
Other names: c.395del, p.Val132fs (NM_001114185.3, NM_001414511.1, NM_001414512.1 and 1 more transcripts); c.-188del (NM_001414515.1); c.371+1472del (NM_001414514.1, NM_001301182.2); short protein forms V132fs.
Identifiers: ClinVar variation 2925507 (VCV002925507.3), dbSNP rs2548625278, ClinGen allele CA2620816523.

ClinVar aggregate classification (germline): Pathogenic (1 of 4 stars; one submission).

Conditions:
Porokeratosis 3, disseminated superficial actinic type (POROK3). Also called: POROKERATOSIS, DISSEMINATED SUPERFICIAL ACTINIC, 1; POROKERATOSIS 3, MIBELLI TYPE; POROKERATOSIS 3, MULTIPLE TYPES. Identifiers: MedGen C1867981, MONDO:0008293, OMIM 175900.
Hyperimmunoglobulin D with periodic fever (HIDS). Also called: Hyperimmunoglobulinemia D with periodic fever; HYPERIMMUNOGLOBULINEMIA D AND PERIODIC FEVER SYNDROME; Hyperimmunoglobulinemia D. Identifiers: Orphanet 343, MedGen C0398691, MONDO:0009849, OMIM 260920.
Mevalonic aciduria (MEVA). Identifiers: Orphanet 29, MedGen C1959626, MONDO:0012481, OMIM 610377.

Allele frequency attached by ClinVar (database versions not stated): gnomAD exomes below 0.00001.

Submission:

Labcorp Genetics (formerly Invitae), Labcorp
Classification: Pathogenic for Mevalonic aciduria; Hyperimmunoglobulin D with periodic fever; Porokeratosis 3, disseminated superficial actinic type. Last evaluated: 2023-06-14. Review status: criteria provided, single submitter. Criteria: Invitae Variant Classification Sherloc (09022015). Collection method: clinical testing. Allele origin: germline.
Comment: For these reasons, this variant has been classified as Pathogenic. This premature translational stop signal has been observed in individual(s) with porokeratosis (PMID: 23834120). This variant is not present in population databases (gnomAD no frequency). This sequence change creates a premature translational stop signal (p.Val132Glufs*27) in the MVK gene. It is expected to result in an absent or disrupted protein product. Loss-of-function variants in MVK are known to be pathogenic (PMID: 16835861, 17105862, 23834120).

Literature cited by the submitters: PubMed 23834120; PubMed 16835861; PubMed 17105862.